The following is an entry in ClinVar:

NM_001142800.2(EYS):c.777G>A (p.Gln259=)

Gene: EYS (EGF-like photoreceptor maintenance factor; minus strand). Cytogenetic location: 6q12.
Variant type: single nucleotide variant.
Coding change: c.777G>A on transcript NM_001142800.2 (MANE Select); coding-DNA position 777, G replaced by A.
Protein change: p.Gln259=; no amino-acid change (glutamine 259 retained).
Molecular consequence: synonymous variant.
Genome position (GRCh38, 1-based): chr6:65,490,679, C>T on the plus strand (G>A on the coding strand, the complement: EYS is on the minus strand). VCF-style: chr6-65490679-C-T. GRCh37 (hg19) VCF-style: chr6-66200572-C-T.
Other names: c.777G>A, p.Gln259= (NM_001142801.2, NM_001292009.2, NM_198283.2).
Identifiers: ClinVar variation 357745 (VCV000357745.18), dbSNP rs78079047, ClinGen allele CA3877986.

ClinVar aggregate classification (germline): Benign/Likely benign. Review status: criteria provided, multiple submitters, no conflicts (2 of 4 stars). 5 submissions from 5 submitters: Benign (2); Likely benign (2). 1 of the submissions does not count toward it. Last evaluated 2026-02-01.

Conditions:
Retinitis pigmentosa (RP). Identifiers: Orphanet 791, MedGen C0035334, MeSH D012174, MONDO:0019200, OMIM 268000. Inheritance: Autosomal dominant, autosomal recessive and X linked inheritance.

Allele frequency attached by ClinVar (database versions not stated): TOPMed 0.01062; gnomAD 0.01086 and 0.01169; 1000 Genomes Project 0.01238; ESP Exome Variant Server 0.01254; 1000 Genomes Project 30x 0.01327.
gnomAD v4.1: 3,239 of 1,612,266 alleles (0.2%); highest among the groups gnomAD compares: African/African-American, 3.8%; 56 homozygotes.

Submissions (5):

Labcorp Genetics (formerly Invitae), Labcorp
Classification: Benign. Last evaluated: 2026-02-01. Review status: criteria provided, single submitter. Criteria: Invitae Variant Classification Sherloc (09022015). Collection method: clinical testing. Allele origin: germline.

Illumina Laboratory Services, Illumina
Classification: Likely benign for Retinitis pigmentosa. Last evaluated: 2018-01-13. Review status: criteria provided, single submitter. Criteria: ICSL Variant Classification Criteria 13 December 2019. Collection method: clinical testing. Allele origin: germline.
Comment: This variant was observed in the ICSL laboratory as part of a predisposition screen in an ostensibly healthy population. It had not been previously curated by ICSL or reported in the Human Gene Mutation Database (HGMD: prior to June 1st, 2018), and was therefore a candidate for classification through an automated scoring system. Utilizing variant allele frequency, disease prevalence and penetrance estimates, and inheritance mode, an automated score was calculated to assess if this variant is too frequent to cause the disease. Based on the score and internal cut-off values, a variant classified as likely benign is not then subjected to further curation. The score for this variant resulted in a classification of likely benign for this disease.

GeneDx
Classification: Benign. Last evaluated: 2015-03-03. Review status: criteria provided, single submitter. Criteria: GeneDx Variant Classification Process June 2021. Collection method: clinical testing. Allele origin: germline. Affected: yes.

Breakthrough Genomics
Classification: Likely benign. Review status: criteria provided, single submitter. Criteria: ACMG Guidelines, 2015. Collection method: not provided. Allele origin: germline. Inheritance: Autosomal recessive inheritance. Affected: yes.

Natera, Inc.
Classification: Benign for Retinitis pigmentosa. Last evaluated: 2019-12-04. Review status: no assertion criteria provided. Collection method: clinical testing. Allele origin: germline. Not counted in ClinVar's aggregate classification.